The following is an entry in ClinVar:

ClinVar aggregate classification (germline): Uncertain significance (1 of 4 stars; one submission).

gnomAD v4.1: 8 of 1,614,070 alleles (0.0005%); highest among the groups gnomAD compares: African/African-American, 0.0053%; no homozygotes.

Submission:

Dasa
Classification: Uncertain significance. Last evaluated: 2025-09-29. Review status: criteria provided, single submitter. Criteria: DASA Assertion Criteria. Collection method: clinical testing. Allele origin: germline.
Comment: NM_001297595.2(SIN3B):c.2471G>A (p.Arg824Gln) is a missense variant that results in the substitution of arginine with glutamine. This variant is rare in population databases. The currently available literature and clinical evidence are not sufficient to establish a definitive association between this variant and the reported condition. Therefore, this variant is classified as a variant of uncertain significance.

NM_001297595.2(SIN3B):c.2471G>A (p.Arg824Gln)

Gene: SIN3B (SIN3 transcription regulator family member B; plus strand). Cytogenetic location: 19p13.11.
Variant type: single nucleotide variant.
Coding change: c.2471G>A on transcript NM_001297595.2 (MANE Select); coding-DNA position 2471, G replaced by A.
Protein change: p.Arg824Gln; replaces arginine 824 with glutamine.
Molecular consequence: missense variant.
Genome position (GRCh38, 1-based): chr19:16,871,277, G>A. VCF-style: chr19-16871277-G-A. GRCh37 (hg19) VCF-style: chr19-16982088-G-A.
Other names: c.1241G>A, p.Arg414Gln (NM_001297597.2); c.2567G>A, p.Arg856Gln (NM_015260.4); short protein forms R414Q, R824Q, R856Q.
Identifiers: ClinVar variation 4883674 (VCV004883674.2).